The following is an entry in ClinVar:

NM_001256715.2(DNAAF3):c.1051G>T (p.Ala351Ser)

Genes: DNAAF3 (dynein axonemal assembly factor 3; minus strand), DNAAF3-AS1 (DNAAF3 antisense RNA 1; plus strand). Cytogenetic location: 19q13.42.
Variant type: single nucleotide variant.
Coding change: c.1051G>T on transcript NM_001256715.2 (MANE Select); coding-DNA position 1051, G replaced by T.
Protein change: p.Ala351Ser; replaces alanine 351 with serine.
Molecular consequence: missense variant. On other transcripts: splice acceptor variant (1).
Genome position (GRCh38, 1-based): chr19:55,160,011, C>A on the plus strand (G>T on the coding strand, the complement: DNAAF3 is on the minus strand). VCF-style: chr19-55160011-C-A. GRCh37 (hg19) VCF-style: chr19-55671379-C-A.
Other names: c.889G>T, p.Ala297Ser (NM_001256716.2); c.1192G>T, p.Ala398Ser (NM_178837.4); c.1253-1G>T (NM_001256714.1); short protein forms A351S, A297S, A398S.
Identifiers: ClinVar variation 4740355 (VCV004740355.1).

ClinVar aggregate classification (germline): Likely pathogenic (1 of 4 stars; one submission).

Conditions:
Primary ciliary dyskinesia. Also called: Ciliary dyskinesia. Identifiers: Orphanet 244, MedGen C0008780, MONDO:0016575, HP:0012265.

Submission:

Labcorp Genetics (formerly Invitae), Labcorp
Classification: Likely pathogenic for Primary ciliary dyskinesia. Last evaluated: 2025-09-30. Review status: criteria provided, single submitter. Criteria: Invitae Variant Classification Sherloc (09022015). Collection method: clinical testing. Allele origin: germline.
Comment: This sequence change affects an acceptor splice site in intron 9 of the DNAAF3 gene. It is expected to disrupt RNA splicing. Variants that disrupt the donor or acceptor splice site typically lead to a loss of protein function (PMID: 16199547), and loss-of-function variants in DNAAF3 are known to be pathogenic (PMID: 22387996). This variant is present in population databases (rs748600370, gnomAD 0.003%). This variant has not been reported in the literature in individuals affected with DNAAF3-related conditions. Algorithms developed to predict the effect of sequence changes on RNA splicing suggest that this variant may disrupt the consensus splice site. In summary, the currently available evidence indicates that the variant is pathogenic, but additional data are needed to prove that conclusively. Therefore, this variant has been classified as Likely Pathogenic.

Literature cited by the submitters: PubMed 16199547; PubMed 22387996.